The following is an entry in ClinVar:

ClinVar aggregate classification (germline): Uncertain significance (1 of 4 stars; one submission).

Allele frequency attached by ClinVar (database versions not stated): gnomAD exomes below 0.00001; TOPMed below 0.00001.

Submission:

Labcorp Genetics (formerly Invitae), Labcorp
Classification: Uncertain significance. Last evaluated: 2023-05-08. Review status: criteria provided, single submitter. Criteria: Invitae Variant Classification Sherloc (09022015). Collection method: clinical testing. Allele origin: germline.
Comment: ClinVar contains an entry for this variant (Variation ID: 1378070). This variant has not been reported in the literature in individuals affected with ADAMTS18-related conditions. This variant is not present in population databases (gnomAD no frequency). This sequence change replaces glycine, which is neutral and non-polar, with glutamic acid, which is acidic and polar, at codon 377 of the ADAMTS18 protein (p.Gly377Glu). An algorithm developed to predict the effect of missense changes on protein structure and function (PolyPhen-2) suggests that this variant is likely to be disruptive. In summary, the available evidence is currently insufficient to determine the role of this variant in disease. Therefore, it has been classified as a Variant of Uncertain Significance.

NM_199355.4(ADAMTS18):c.1130G>A (p.Gly377Glu)

Gene: ADAMTS18 (ADAM metallopeptidase with thrombospondin type 1 motif 18; minus strand). Cytogenetic location: 16q23.1.
Variant type: single nucleotide variant.
Coding change: c.1130G>A on transcript NM_199355.4 (MANE Select); coding-DNA position 1130, G replaced by A.
Protein change: p.Gly377Glu; replaces glycine 377 with glutamic acid.
Molecular consequence: missense variant.
Genome position (GRCh38, 1-based): chr16:77,362,191, C>T on the plus strand (G>A on the coding strand, the complement: ADAMTS18 is on the minus strand). VCF-style: chr16-77362191-C-T. GRCh37 (hg19) VCF-style: chr16-77396088-C-T.
Other names: c.614G>A, p.Gly205Glu (NM_001326358.2); short protein forms G377E, G205E.
Identifiers: ClinVar variation 1378070 (VCV001378070.6), dbSNP rs1005748649, ClinGen allele CA284435608.